The following is an entry in ClinVar:

NM_000038.6(APC):c.2351C>G (p.Ser784Cys)

Gene: APC (APC regulator of Wnt signaling pathway; plus strand). Cytogenetic location: 5q22.2.
Variant type: single nucleotide variant.
Coding change: c.2351C>G on transcript NM_000038.6 (MANE Select); coding-DNA position 2351, C replaced by G.
Protein change: p.Ser784Cys; replaces serine 784 with cysteine.
Molecular consequence: missense variant.
Genome position (GRCh38, 1-based): chr5:112,837,945, C>G. VCF-style: chr5-112837945-C-G. GRCh37 (hg19) VCF-style: chr5-112173642-C-G.
Other names: c.2351C>G, p.Ser784Cys (NM_001127510.3, NM_001354895.2, NM_001407450.1); c.2297C>G, p.Ser766Cys (NM_001127511.3); c.2405C>G, p.Ser802Cys (NM_001354896.2, NM_001407447.1, NM_001407448.1 and 1 more transcripts); c.2381C>G, p.Ser794Cys (NM_001354897.2); c.2276C>G, p.Ser759Cys (NM_001354898.2); c.2267C>G, p.Ser756Cys (NM_001354899.2); c.2228C>G, p.Ser743Cys (NM_001354900.2); c.2174C>G, p.Ser725Cys (NM_001354901.2, NM_001407453.1); and 11 more; short protein forms S655C, S658C, S683C, S794C, S812C, S400C, S693C, S725C.
Identifiers: ClinVar variation 1790017 (VCV001790017.7), dbSNP rs778287168, ClinGen allele CA031740.
Genomic context (GRCh38, chr5:112,837,945, plus strand): 5'-TAGATGCTCAGCACTTATCAGAAACTTTTGACAATATAGACAATTTAAGTCCCAAGGCAT[C>G]TCATCGTAGTAAGCAGAGACACAAGCAAAGTCTCTATGGTGATTATGTTTTTGACACCAA-3'
Protein context (NP_000029.2, residues 774-794): DNIDNLSPKA[Ser784Cys]HRSKQRHKQS

ClinVar aggregate classification (germline): Uncertain significance. Review status: criteria provided, multiple submitters, no conflicts (2 of 4 stars). 2 submissions from 2 submitters: Uncertain significance (2). Last evaluated 2022-02-19.

Conditions:
Hereditary cancer-predisposing syndrome. Also called: Hereditary Cancer Syndrome; Hereditary neoplastic syndrome; Tumor predisposition; Neoplastic Syndromes, Hereditary. Identifiers: Orphanet 140162, MedGen C0027672, MeSH D009386, MONDO:0015356.
Familial adenomatous polyposis 1 (FAP1). Also called: FAMILIAL ADENOMATOUS POLYPOSIS 1, ATTENUATED; POLYPOSIS, ADENOMATOUS INTESTINAL. Identifiers: MedGen C2713442, MONDO:0021056, OMIM 175100. Disease mechanism: loss of function.

Allele frequency attached by ClinVar (database versions not stated): gnomAD exomes below 0.00001; ExAC 0.00001.
gnomAD v4.1: 1 of 1,614,068 alleles (0.000062%); highest among the groups gnomAD compares: South Asian, 0.0011%; no homozygotes.

Submissions (2):

Labcorp Genetics (formerly Invitae), Labcorp
Classification: Uncertain significance for Familial adenomatous polyposis 1. Last evaluated: 2022-02-19. Review status: criteria provided, single submitter. Criteria: Invitae Variant Classification Sherloc (09022015). Collection method: clinical testing. Allele origin: germline.
Comment: In summary, the available evidence is currently insufficient to determine the role of this variant in disease. Therefore, it has been classified as a Variant of Uncertain Significance. Algorithms developed to predict the effect of missense changes on protein structure and function are either unavailable or do not agree on the potential impact of this missense change (SIFT: "Tolerated"; PolyPhen-2: "Possibly Damaging"; Align-GVGD: "Class C0"). This variant has not been reported in the literature in individuals affected with APC-related conditions. This variant is present in population databases (rs778287168, gnomAD 0.003%). This sequence change replaces serine, which is neutral and polar, with cysteine, which is neutral and slightly polar, at codon 784 of the APC protein (p.Ser784Cys).

Ambry Genetics
Classification: Uncertain significance for Hereditary cancer-predisposing syndrome. Last evaluated: 2019-09-03. Review status: criteria provided, single submitter. Criteria: Ambry Variant Classification Scheme 2023. Collection method: clinical testing. Allele origin: germline.
Comment: The p.S784C variant (also known as c.2351C>G), located in coding exon 15 of the APC gene, results from a C to G substitution at nucleotide position 2351. The serine at codon 784 is replaced by cysteine, an amino acid with dissimilar properties. This amino acid position is well conserved in available vertebrate species. In addition, in silico predictors for this gene do not accurately predict pathogenicity. Since supporting evidence is limited at this time, the clinical significance of this alteration remains unclear.